The following is an entry in ClinVar:

ClinVar aggregate classification (germline): Pathogenic (1 of 4 stars; one submission).

Conditions:
Familial focal epilepsy with variable foci (FPEVF). Identifiers: Orphanet 98820, MedGen C1858477, MONDO:0020310.

Submission:

Labcorp Genetics (formerly Invitae), Labcorp
Classification: Pathogenic for Familial focal epilepsy with variable foci. Last evaluated: 2022-04-02. Review status: criteria provided, single submitter. Criteria: Invitae Variant Classification Sherloc (09022015). Collection method: clinical testing. Allele origin: germline.
Comment: For these reasons, this variant has been classified as Pathogenic. This variant has not been reported in the literature in individuals affected with DEPDC5-related conditions. This variant is a gross deletion of the genomic region encompassing exon(s) 25-33 of the DEPDC5 gene. This deletion is out-of-frame, and is expected to create a premature termination codon and result in an absent or disrupted protein product. Loss-of-function variants in DEPDC5 are known to be pathogenic (PMID: 23542697, 23542701).

Literature cited by the submitters: PubMed 23542697; PubMed 23542701.

NC_000022.10:g.(?_32229881)_(32257439_?)del

Gene: DEPDC5 (DEP domain containing 5, GATOR1 subcomplex subunit; plus strand). Cytogenetic location: 22q12.3.
Variant type: Deletion.
Identifiers: ClinVar variation 2423995 (VCV002423995.4).